The following is an entry in ClinVar:

ClinVar aggregate classification (germline): Pathogenic (1 of 4 stars; one submission).

Conditions:
Isovaleryl-CoA dehydrogenase deficiency (IVA). Also called: Classic Isovaleric Acidemia; Isovaleric acidemia; ISOVALERIC ACID CoA DEHYDROGENASE DEFICIENCY; IVD DEFICIENCY. Identifiers: Orphanet 33, MedGen C0268575, MONDO:0009475, OMIM 243500.

Submission:

Myriad Genetics, Inc.
Classification: Pathogenic for Isovaleryl-CoA dehydrogenase deficiency. Last evaluated: 2026-03-10. Review status: criteria provided, single submitter. Criteria: Myriad Autosomal Dominant, Autosomal Recessive and X-Linked Classification Criteria (2023). Collection method: clinical testing. Allele origin: unknown.
Comment: NM_002225.3(IVD):c.1146delT(F382Lfs*24) is a frameshift variant classified as pathogenic in the context of isovaleric acidemia. F382Lfs*24 has not been observed in cases with relevant disease. Relevant functional assessments of this variant are not available in the literature. F382Lfs*24 has been observed in referenced population frequency databases. In summary, NM_002225.3(IVD):c.1146delT(F382Lfs*24) is a frameshift variant in a gene where loss of function is a known mechanism of disease and is predicted to disrupt protein function. Please note: this variant was assessed in the context of healthy population screening.

NM_002225.5(IVD):c.1137del (p.Phe379fs)

Gene: IVD (isovaleryl-CoA dehydrogenase; plus strand). Cytogenetic location: 15q15.1.
Variant type: Deletion.
Coding change: c.1137del on transcript NM_002225.5 (MANE Select); coding-DNA position 1137, one base deleted (T; older notation c.1137delT).
Protein change: p.Phe379fs; shifts the reading frame from phenylalanine 379.
Molecular consequence: frameshift variant. On other transcripts: non-coding transcript variant (1).
Genome position (GRCh38, 1-based): chr15:40,416,361, T deleted; the last of 4 consecutive T bases (chr15:40,416,358-40,416,361); deleting any one gives the same sequence. VCF-style (leftmost placement, unchanged base first): chr15-40416357-GT-G. GRCh37 (hg19) VCF-style: chr15-40708556-GT-G.
Other names: c.1047del, p.Phe349fs (NM_001159508.3); c.1089del, p.Phe363fs (NM_001354597.3); c.1137del, p.Phe379fs (NM_001354598.3, NM_001354601.3); c.1224del, p.Phe408fs (NM_001354599.3, NM_001354600.3); short protein forms F363fs, F379fs, F408fs, F349fs.
Identifiers: ClinVar variation 5003245 (VCV005003245.1).